The following is an entry in ClinVar:

ClinVar aggregate classification (germline): Pathogenic. Review status: criteria provided, multiple submitters, no conflicts (2 of 4 stars). 3 submissions from 3 submitters: Pathogenic (2). 1 of the submissions does not count toward it. Last evaluated 2024-03-11.

Conditions:
Deficiency of alpha-mannosidase (MANSA). Also called: LYSOSOMAL ALPHA-D-MANNOSIDASE DEFICIENCY; Mannosidosis, alpha-, types I and II; Alpha-Mannosidosis. Identifiers: Orphanet 61, MedGen C0024748, MONDO:0009561, OMIM 248500.

Submissions (3):

Natera, Inc.
Classification: Pathogenic for Alpha-mannosidosis. Last evaluated: 2024-03-11. Review status: criteria provided, single submitter. Criteria: Natera Variant Classification Schema (03/2026). Collection method: clinical testing. Allele origin: germline.
Comment: The c.231G>A variant in MAN2B1 is a nonsense variant predicted to introduce a stop codon at amino acid 77. This variant is expected to result in nonsense mediated decay, truncation, or a dysfunctional protein product. This variant is rare in the general population with a frequency below the threshold expected for the associated phenotype(s). This variant has been observed in one or more individuals affected with the associated recessive disease, as either homozygous or compound heterozygous with a second variant (PMID: 26048034). Given the available evidence, this variant is classified as Pathogenic.

Baylor Genetics
Classification: Pathogenic for Deficiency of alpha-mannosidase. Last evaluated: 2024-03-08. Review status: criteria provided, single submitter. Criteria: ACMG Guidelines, 2015. Collection method: clinical testing. Allele origin: unknown.

Counsyl
Classification: Likely pathogenic for Deficiency of alpha-mannosidase. Last evaluated: 2017-10-06. Review status: no assertion criteria provided. Collection method: clinical testing. Allele origin: unknown. Not counted in ClinVar's aggregate classification.

Literature cited by the submitters: PubMed 26048034 (cited by Natera, Inc.); PubMed 22161967 (cited by Counsyl).

NM_000528.4(MAN2B1):c.231G>A (p.Trp77Ter)

Gene: MAN2B1 (mannosidase alpha class 2B member 1; minus strand). Cytogenetic location: 19p13.13.
Variant type: single nucleotide variant.
Coding change: c.231G>A on transcript NM_000528.4 (MANE Select); coding-DNA position 231, G replaced by A.
Protein change: p.Trp77Ter; replaces tryptophan 77 with a stop codon.
Molecular consequence: nonsense.
Genome position (GRCh38, 1-based): chr19:12,665,734, C>T on the plus strand (G>A on the coding strand, the complement: MAN2B1 is on the minus strand). VCF-style: chr19-12665734-C-T. GRCh37 (hg19) VCF-style: chr19-12776548-C-T.
Other names: c.231G>A, p.Trp77Ter (NM_001173498.2); short protein forms W77*.
Identifiers: ClinVar variation 553996 (VCV000553996.4), dbSNP rs1555710070, ClinGen allele CA404258065.